The following is an entry in ClinVar:

ClinVar aggregate classification (germline): Pathogenic (3 of 4 stars; one submission).

Conditions:
Autosomal recessive limb-girdle muscular dystrophy. Identifiers: Orphanet 102015, MedGen C2931907, MONDO:0015152.

gnomAD v4.1: 1 of 1,613,960 alleles (0.000062%); highest among the groups gnomAD compares: South Asian, 0.0011%; no homozygotes.

Submission:

ClinGen Limb Girdle Muscular Dystrophy Variant Curation Expert Panel, ClinGen
Classification: Pathogenic for Autosomal recessive limb-girdle muscular dystrophy. Last evaluated: 2026-04-29. Review status: reviewed by expert panel. Criteria: ClinGen LGMD VCEP ACMG Specifications SGCA V2.0.0. Collection method: curation. Allele origin: germline. Inheritance: Autosomal recessive inheritance.
Comment: The NM_000023.4: c.613C>T variant in SGCA is a missense variant predicted to cause substitution of proline by serine at amino acid 205, p.(Pro205Ser). This variant has been detected in at least two individuals with limb girdle muscular dystrophy (Newcastle University, GRASP-LGMD Consortium internal data communication), including in unconfirmed phase with a pathogenic variant in one case (c.229C>T p.(Arg77Cys), 0.5 pt, Newcastle University internal data communication) (PM3_Supporting). At least one patient with this variant and a second presumed diagnostic SGCA variant displayed both progressive limb girdle muscle weakness and reduced alpha-sarcoglycan protein expression in skeletal muscle, which is highly specific for SGCA-related LGMD (PP4_Strong; Newcastle University, GRASP-LGMD Consortium internal data communication). The variant has been reported to segregate with limb-girdle muscular dystrophy in two affected siblings from one family, but phase was not confirmed (Newcastle University internal data communication). The Grpmax variant allele frequency is 0.000011 in gnomAD v4.1.1 (1/91088 South Asian alleles), which is lower than the LGMD VCEP threshold (<0.00009) for PM2_Supporting, and therefore meets this criterion. An in vitro assay in a heterologous cell system has demonstrated that this variant disrupts membrane localization of the sarcoglycan complex (PS3_Moderate; Washington University internal data communication). In addition, the computational predictor REVEL gives a score of 0.815, which is above the threshold of 0.7, evidence that correlates with impact to SGCA function (PP3). Another missense variant affecting the same codon, c.614C>A p.(Pro205His), has also been classified as likely pathogenic for autosomal recessive limb-girdle muscular dystrophy by the ClinGen LGMD VCEP (PM5_Supporting). In summary, this variant meets the criteria to be classified as Pathogenic for autosomal recessive limb-girdle muscular dystrophy based on the ACMG/AMP criteria applied, as specified by the ClinGen LGMD VCEP (specification guidelines v2.0.0; 04/29/2026): PM3_Supporting, PP4_Strong, PM2_Supporting, PS3_Moderate, PP3, PM5_Supporting.

NM_000023.4(SGCA):c.613C>T (p.Pro205Ser)

Gene: SGCA (sarcoglycan alpha; plus strand). Cytogenetic location: 17q21.33.
Variant type: single nucleotide variant.
Coding change: c.613C>T on transcript NM_000023.4 (MANE Select); coding-DNA position 613, C replaced by T.
Protein change: p.Pro205Ser; replaces proline 205 with serine.
Molecular consequence: missense variant. On other transcripts: non-coding transcript variant (1), intron variant (1).
Genome position (GRCh38, 1-based): chr17:50,169,120, C>T. VCF-style: chr17-50169120-C-T. GRCh37 (hg19) VCF-style: chr17-48246481-C-T.
Other names: NR_135553.2:n.649C>T; c.584+548C>T (NM_001135697.3); short protein forms P205S.
Identifiers: ClinVar variation 4849940 (VCV004849940.1).